The following is an entry in ClinVar:

ClinVar aggregate classification (germline): Pathogenic (1 of 4 stars; one submission).

Conditions:
Peutz-Jeghers syndrome (PJS). Also called: POLYPOSIS, HAMARTOMATOUS INTESTINAL; POLYPS-AND-SPOTS SYNDROME; Peutz-Jeghers polyposis; Periorificial lentiginosis syndrome. Identifiers: Orphanet 2869, MedGen C0031269, MeSH D010580, MONDO:0008280, OMIM 175200.

Submission:

Labcorp Genetics (formerly Invitae), Labcorp
Classification: Pathogenic for Peutz-Jeghers syndrome. Last evaluated: 2016-11-29. Review status: criteria provided, single submitter. Criteria: Invitae Variant Classification Sherloc (09022015). Collection method: clinical testing. Allele origin: germline.
Comment: A gross deletion of the genomic region encompassing the full coding sequence of the STK11 gene has been identified. The boundaries of this event are unknown as the deletion extends beyond the assayed region for this gene and therefore may encompass additional genes. Large deletions involving the STK11 gene are known to be pathogenic and account for about 30% of the Peutz-Jeghers syndrome (PJS) cases (PMID: 20623358). Whole gene deletions of STK11 have been reported in several individuals affected with PJS (PMID: 23399955, 17924967, 16287113, 22382802, 16648371). For these reasons, this variant has been classified as Pathogenic.

NC_000019.10:g.(?_1205799)_(1226663_?)del

Genes: STK11 (serine/threonine kinase 11; plus strand), LOC130062897 (ATAC-STARR-seq lymphoblastoid active region 13595; plus strand), LOC130062895 (ATAC-STARR-seq lymphoblastoid silent region 9670; plus strand), LOC130062894 (ATAC-STARR-seq lymphoblastoid silent region 9669; plus strand), LOC130062896 (ATAC-STARR-seq lymphoblastoid active region 13594; plus strand) and 6 more. Cytogenetic location: 19p13.3.
Variant type: Deletion.
Other names: c.-1115-?_*16+?del (LRG_319t1).
Identifiers: ClinVar variation 237784 (VCV000237784.1).